The following is an entry in ClinVar:

NM_001386140.1(MTTP):c.2636A>G (p.Lys879Arg)

Gene: MTTP (microsomal triglyceride transfer protein; plus strand). Cytogenetic location: 4q23.
Variant type: single nucleotide variant.
Coding change: c.2636A>G on transcript NM_001386140.1 (MANE Select); coding-DNA position 2636, A replaced by G.
Protein change: p.Lys879Arg; replaces lysine 879 with arginine.
Molecular consequence: missense variant.
Genome position (GRCh38, 1-based): chr4:99,622,799, A>G. VCF-style: chr4-99622799-A-G. GRCh37 (hg19) VCF-style: chr4-100543956-A-G.
Other names: p.Lys879Arg; c.2636A>G, p.Lys879Arg (NM_000253.4); c.2387A>G, p.Lys796Arg (NM_001300785.2); short protein forms K879R, K796R.
Identifiers: ClinVar variation 347045 (VCV000347045.18), dbSNP rs114049933, ClinGen allele CA3022419.
Genomic context (GRCh38, chr4:99,622,799, plus strand): 5'-AAGAAAGCGTATTAGCAGGATGTGAATTCCCGCTCCATCAAGAGAACTCAGAGATGTGCA[A>G]AGTGGTGTTTGCCCCTCAGCCGGATAGTACTTCCAGCGGATGGTTTTGAAACTGACCTGT-3'
Protein context (NP_001373069.1, residues 869-889): PLHQENSEMC[Lys879Arg]VVFAPQPDST

ClinVar aggregate classification (germline): Benign/Likely benign. Review status: criteria provided, multiple submitters, no conflicts (2 of 4 stars). 5 submissions from 5 submitters: Benign (2); Likely benign (3). Last evaluated 2026-02-04.

Conditions:
Abetalipoproteinaemia (ABL). Also called: MTP DEFICIENCY; Abetalipoproteinemia; Abetalipoproteinemia neuropathy; Apolipoprotein B deficiency; Congenital betalipoprotein deficiency syndrome. Identifiers: Orphanet 14, MedGen C0000744, MONDO:0008692, OMIM 200100, HP:0008181.

Allele frequency attached by ClinVar (database versions not stated): gnomAD exomes 0.00095 and 0.00245; ExAC 0.00304; gnomAD 0.00954 and 0.01021; 1000 Genomes Project 0.00978; 1000 Genomes Project 30x 0.01015; TOPMed 0.01065; ESP Exome Variant Server 0.01099.
gnomAD v4.1: 2,925 of 1,614,110 alleles (0.18%); highest among the groups gnomAD compares: African/African-American, 3.2%; 54 homozygotes.

Submissions (5):

Labcorp Genetics (formerly Invitae), Labcorp
Classification: Benign. Last evaluated: 2026-02-04. Review status: criteria provided, single submitter. Criteria: Invitae Variant Classification Sherloc (09022015). Collection method: clinical testing. Allele origin: germline.

Mayo Clinic Laboratories, Mayo Clinic
Classification: Benign. Last evaluated: 2024-10-09. Review status: criteria provided, single submitter. Criteria: ACMG Guidelines, 2015. Collection method: clinical testing. Allele origin: germline. Observed: 8 variant alleles.
Comment: BS1, BS2, BP4

GeneDx
Classification: Likely benign. Last evaluated: 2021-08-17. Review status: criteria provided, single submitter. Criteria: GeneDx Variant Classification Process June 2021. Collection method: clinical testing. Allele origin: germline. Affected: yes.

Illumina Laboratory Services, Illumina
Classification: Likely benign for Abetalipoproteinaemia. Last evaluated: 2017-04-27. Review status: criteria provided, single submitter. Criteria: ICSL Variant Classification Criteria 13 December 2019. Collection method: clinical testing. Allele origin: germline.
Comment: This variant was observed as part of a predisposition screen in an ostensibly healthy population. A literature search was performed for the gene, cDNA change, and amino acid change (where applicable). No publications were found based on this search. Allele frequency data from public databases allowed determination this variant is unlikely to cause disease. Therefore, this variant is classified as likely benign.

Breakthrough Genomics
Classification: Likely benign. Review status: criteria provided, single submitter. Criteria: ACMG Guidelines, 2015. Collection method: not provided. Allele origin: germline. Inheritance: Autosomal recessive inheritance. Affected: yes.